The following is an entry in ClinVar:

ClinVar aggregate classification (germline): Uncertain significance (1 of 4 stars; one submission).

Submission:

Ambry Genetics
Classification: Uncertain significance. Last evaluated: 2024-07-16. Review status: criteria provided, single submitter. Criteria: Ambry Variant Classification Scheme 2023. Collection method: clinical testing. Allele origin: germline.
Comment: The p.E175D variant (also known as c.525G>T), located in coding exon 4 of the BUB3 gene, results from a G to T substitution at nucleotide position 525. The glutamic acid at codon 175 is replaced by aspartic acid, an amino acid with highly similar properties. This amino acid position is conserved. In addition, the in silico prediction for this alteration is inconclusive. Based on the available evidence, the clinical significance of this variant remains unclear.

NM_004725.4(BUB3):c.525G>T (p.Glu175Asp)

Gene: BUB3 (BUB3 mitotic checkpoint protein; plus strand). Cytogenetic location: 10q26.13.
Variant type: single nucleotide variant.
Coding change: c.525G>T on transcript NM_004725.4 (MANE Select); coding-DNA position 525, G replaced by T.
Protein change: p.Glu175Asp; replaces glutamic acid 175 with aspartic acid.
Molecular consequence: missense variant.
Genome position (GRCh38, 1-based): chr10:123,160,514, G>T. VCF-style: chr10-123160514-G-T. GRCh37 (hg19) VCF-style: chr10-124920030-G-T.
Other names: c.525G>T, p.Glu175Asp (NM_001007793.3); short protein forms E175D.
Identifiers: ClinVar variation 3483276 (VCV003483276.1).
Genomic context (GRCh38, chr10:123,160,514, plus strand): 5'-AGGCCGCAGAGTGTTGGTGTGGGACTTACGGAACATGGGTTACGTGCAGCAGCGCAGGGA[G>T]TCCAGCCTGAAATACCAGACTCGCTGCATACGAGCGTTTCCAAACAAGCAGGTATTGAAC-3'
Protein context (NP_004716.1, residues 165-185): RNMGYVQQRR[Glu175Asp]SSLKYQTRCI